The following is an entry in ClinVar:

NM_000093.5(COL5A1):c.4255C>T (p.Pro1419Ser)

Gene: COL5A1 (collagen type V alpha 1 chain; plus strand). Cytogenetic location: 9q34.3.
Variant type: single nucleotide variant.
Coding change: c.4255C>T on transcript NM_000093.5 (MANE Select); coding-DNA position 4255, C replaced by T.
Protein change: p.Pro1419Ser; replaces proline 1419 with serine.
Molecular consequence: missense variant.
Genome position (GRCh38, 1-based): chr9:134,818,680, C>T. VCF-style: chr9-134818680-C-T. GRCh37 (hg19) VCF-style: chr9-137710526-C-T.
Other names: c.4255C>T, p.Pro1419Ser (NM_001278074.1); short protein forms P1419S.
Identifiers: ClinVar variation 2745864 (VCV002745864.3), dbSNP rs1329099724, ClinGen allele CA375457163.

ClinVar aggregate classification (germline): Uncertain significance (1 of 4 stars; one submission).

Conditions:
Ehlers-Danlos syndrome, classic type, 1 (EDSCL1). Also called: EHLERS-DANLOS SYNDROME, GRAVIS TYPE; EHLERS-DANLOS SYNDROME, SEVERE CLASSIC TYPE; Ehlers-Danlos syndrome, type 1; Ehlers-Danlos Syndrome, Classic Type, COL5A1-Related; EDS I. Identifiers: MedGen C0268335, MONDO:0019567, OMIM 130000.

Allele frequency attached by ClinVar (database versions not stated): TOPMed below 0.00001.

Submission:

Labcorp Genetics (formerly Invitae), Labcorp
Classification: Uncertain significance for Ehlers-Danlos syndrome, classic type, 1. Last evaluated: 2023-07-22. Review status: criteria provided, single submitter. Criteria: Invitae Variant Classification Sherloc (09022015). Collection method: clinical testing. Allele origin: germline.
Comment: This sequence change replaces proline, which is neutral and non-polar, with serine, which is neutral and polar, at codon 1419 of the COL5A1 protein (p.Pro1419Ser). This variant is not present in population databases (gnomAD no frequency). This variant has not been reported in the literature in individuals affected with COL5A1-related conditions. Advanced modeling of protein sequence and biophysical properties (such as structural, functional, and spatial information, amino acid conservation, physicochemical variation, residue mobility, and thermodynamic stability) performed at Invitae indicates that this missense variant is not expected to disrupt COL5A1 protein function. In summary, the available evidence is currently insufficient to determine the role of this variant in disease. Therefore, it has been classified as a Variant of Uncertain Significance.